The following is an entry in ClinVar:

ClinVar aggregate classification (germline): Likely pathogenic (1 of 4 stars; one submission).

Conditions:
Autosomal recessive limb-girdle muscular dystrophy type 2J (LGMDR10). Also called: Limb-girdle muscular dystrophy, type 2J; MUSCULAR DYSTROPHY, LIMB-GIRDLE, AUTOSOMAL RECESSIVE 10. Identifiers: Orphanet 140922, MedGen C1837342, MONDO:0012127, OMIM 608807.
Dilated cardiomyopathy 1G (CMD1G). Identifiers: Orphanet 154, MedGen C1858763, MONDO:0011400, OMIM 604145.

Submission:

Labcorp Genetics (formerly Invitae), Labcorp
Classification: Likely pathogenic for Dilated cardiomyopathy 1G; Autosomal recessive limb-girdle muscular dystrophy type 2J. Last evaluated: 2024-10-17. Review status: criteria provided, single submitter. Criteria: Invitae Variant Classification Sherloc (09022015). Collection method: clinical testing. Allele origin: germline.
Comment: This sequence change affects an acceptor splice site in intron 43 of the TTN gene. It is expected to disrupt RNA splicing and likely results in a truncated or disrupted TTN protein. This variant is not present in population databases (gnomAD no frequency). This variant has not been reported in the literature in individuals affected with TTN-related conditions. ClinVar contains an entry for this variant (Variation ID: 2017666). Algorithms developed to predict the effect of sequence changes on RNA splicing suggest that this variant may disrupt the consensus splice site. This variant is located in the I band of TTN (PMID: 25589632). Truncating variants in this region have been reported in individuals affected with autosomal recessive centronuclear myopathy (PMID: 23975875, internal data). Truncating variants in this region have also been identified in individuals affected with autosomal dominant dilated cardiomyopathy and/or cardio-related conditions (PMID: 27869827, 32964742, internal data). In summary, the currently available evidence indicates that the variant is pathogenic, but additional data are needed to prove that conclusively. Therefore, this variant has been classified as Likely Pathogenic.

Literature cited by the submitters: PubMed 25589632; PubMed 23975875; PubMed 27869827; PubMed 32964742.

NM_001267550.2(TTN):c.10115-2A>G

Gene: TTN (titin; minus strand). Cytogenetic location: 2q31.2.
Variant type: single nucleotide variant.
Coding change: c.10115-2A>G on transcript NM_001267550.2 (MANE Select); the canonical splice acceptor site of the intron before coding-DNA position 10115, A replaced by G.
Molecular consequence: splice acceptor variant.
Genome position (GRCh38, 1-based): chr2:178,759,174, T>C on the plus strand (A>G on the coding strand, the complement: TTN is on the minus strand). VCF-style: chr2-178759174-T-C. GRCh37 (hg19) VCF-style: chr2-179623901-T-C.
Other names: c.9977-2A>G (NM_003319.4, NM_133437.4, NM_133432.3); c.10115-2A>G (NM_133378.4, NM_001256850.1, NM_133379.5).
Identifiers: ClinVar variation 2017666 (VCV002017666.4), dbSNP rs2531940831, ClinGen allele CA349673685.